The following is an entry in ClinVar:

ClinVar aggregate classification (germline): Pathogenic. Review status: criteria provided, single submitter (1 of 4 stars). 4 submissions from 4 submitters: Pathogenic (1). 3 of the submissions do not count toward it. Last evaluated 2025-02-06.

Conditions:
Keratosis follicularis (DAR). Also called: Darier disease; Darier's disease. Identifiers: Orphanet 218, MedGen C0022595, MONDO:0007417, OMIM 124200.

Submissions (4):

Labcorp Genetics (formerly Invitae), Labcorp
Classification: Pathogenic. Last evaluated: 2025-02-06. Review status: criteria provided, single submitter. Criteria: Invitae Variant Classification Sherloc (09022015). Collection method: clinical testing. Allele origin: germline.
Comment: This sequence change replaces arginine, which is basic and polar, with glutamine, which is neutral and polar, at codon 131 of the ATP2A2 protein (p.Arg131Gln). This variant is not present in population databases (gnomAD no frequency). This missense change has been observed in individual(s) with Darier disease (PMID: 10441323, 11168576, 12072062, 28035777). In at least one individual the variant was observed to be de novo. It has also been observed to segregate with disease in related individuals. ClinVar contains an entry for this variant (Variation ID: 17800). Invitae Evidence Modeling of protein sequence and biophysical properties (such as structural, functional, and spatial information, amino acid conservation, physicochemical variation, residue mobility, and thermodynamic stability) indicates that this missense variant is expected to disrupt ATP2A2 protein function with a positive predictive value of 80%. Experimental studies have shown that this missense change affects ATP2A2 function (PMID: 16766529). For these reasons, this variant has been classified as Pathogenic.

OMIM
Classification: Pathogenic for DARIER DISEASE. Last evaluated: 2002-06-01. Review status: no assertion criteria provided. Collection method: literature only. Allele origin: germline. Not counted in ClinVar's aggregate classification.

Diagnostic Laboratory, Department of Genetics, University Medical Center Groningen
Classification: Pathogenic. Review status: no assertion criteria provided. Collection method: clinical testing. Allele origin: germline. Affected: yes. Study: VKGL Data-share Consensus. Not counted in ClinVar's aggregate classification.

Joint Genome Diagnostic Labs from Nijmegen and Maastricht, Radboudumc and MUMC+
Classification: Pathogenic. Review status: no assertion criteria provided. Collection method: clinical testing. Allele origin: germline. Affected: yes. Study: VKGL Data-share Consensus. Not counted in ClinVar's aggregate classification.

Literature cited by the submitters: PubMed 10441323 (cited by Labcorp Genetics (formerly Invitae), Labcorp and OMIM); PubMed 11168576 (cited by Labcorp Genetics (formerly Invitae), Labcorp and OMIM); PubMed 12072062 (cited by Labcorp Genetics (formerly Invitae), Labcorp and OMIM); PubMed 28035777 (cited by Labcorp Genetics (formerly Invitae), Labcorp); PubMed 16766529 (cited by Labcorp Genetics (formerly Invitae), Labcorp).

NM_170665.4(ATP2A2):c.392G>A (p.Arg131Gln)

Gene: ATP2A2 (ATPase sarcoplasmic/endoplasmic reticulum Ca2+ transporting 2; plus strand). Cytogenetic location: 12q24.11.
Variant type: single nucleotide variant.
Coding change: c.392G>A on transcript NM_170665.4 (MANE Select); coding-DNA position 392, G replaced by A.
Protein change: p.Arg131Gln; replaces arginine 131 with glutamine.
Molecular consequence: missense variant.
Genome position (GRCh38, 1-based): chr12:110,296,666, G>A. VCF-style: chr12-110296666-G-A. GRCh37 (hg19) VCF-style: chr12-110734471-G-A.
Other names: c.392G>A, p.Arg131Gln (NM_001681.4); short protein forms R131Q.
Identifiers: ClinVar variation 17800 (VCV000017800.7), dbSNP rs121912738, ClinGen allele CA127429.